The following is an entry in ClinVar:

NM_006059.4(LAMC3):c.2594-320C>G

Gene: LAMC3 (laminin subunit gamma 3; plus strand). Cytogenetic location: 9q34.12.
Variant type: single nucleotide variant.
Coding change: c.2594-320C>G on transcript NM_006059.4 (MANE Select); 320 bases into the intron before coding-DNA position 2594, C replaced by G.
Molecular consequence: intron variant.
Genome position (GRCh38, 1-based): chr9:131,067,758, C>G. VCF-style: chr9-131067758-C-G. GRCh37 (hg19) VCF-style: chr9-133943145-C-G.
Identifiers: ClinVar variation 684041 (VCV000684041.2), dbSNP rs10901340, ClinGen allele CA13102552.

ClinVar aggregate classification (germline): Benign. Review status: criteria provided, multiple submitters, no conflicts (2 of 4 stars). 2 submissions from 2 submitters: Benign (2). Last evaluated 2018-06-19.

Allele frequency attached by ClinVar (database versions not stated): 1000 Genomes Project 30x 0.68676; 1000 Genomes Project 0.68830; TOPMed 0.73152; gnomAD 0.75907.
gnomAD v4.1: 114,226 of 152,066 alleles (75%); highest among the groups gnomAD compares: Non-Finnish European, 84%; 44,083 homozygotes.

Submissions (2):

GeneDx
Classification: Benign. Last evaluated: 2018-06-19. Review status: criteria provided, single submitter. Criteria: GeneDx Variant Classification (06012015). Collection method: clinical testing. Allele origin: germline. Affected: yes.
Comment: This variant is considered likely benign or benign based on one or more of the following criteria: it is a conservative change, it occurs at a poorly conserved position in the protein, it is predicted to be benign by multiple in silico algorithms, and/or has population frequency not consistent with disease.

Breakthrough Genomics
Classification: Benign. Review status: criteria provided, single submitter. Criteria: ACMG Guidelines, 2015. Collection method: not provided. Allele origin: germline. Inheritance: Autosomal recessive inheritance. Affected: yes.